The following is an entry in ClinVar:

NM_006846.4(SPINK5):c.46C>T (p.Leu16Phe)

Gene: SPINK5 (serine peptidase inhibitor Kazal type 5; plus strand). Cytogenetic location: 5q32.
Variant type: single nucleotide variant.
Coding change: c.46C>T on transcript NM_006846.4 (MANE Select); coding-DNA position 46, C replaced by T.
Protein change: p.Leu16Phe; replaces leucine 16 with phenylalanine.
Molecular consequence: missense variant.
Genome position (GRCh38, 1-based): chr5:148,064,090, C>T. VCF-style: chr5-148064090-C-T. GRCh37 (hg19) VCF-style: chr5-147443653-C-T.
Other names: c.46C>T, p.Leu16Phe (NM_001127698.2, NM_001127699.2); c.46C>T (NM_006846.3); short protein forms L16F.
Identifiers: ClinVar variation 1347338 (VCV001347338.8), dbSNP rs370369039, ClinGen allele CA3495076.

ClinVar aggregate classification (germline): Uncertain significance. Review status: criteria provided, multiple submitters, no conflicts (2 of 4 stars). 2 submissions from 2 submitters: Uncertain significance (2). Last evaluated 2025-02-07.

Conditions:
Ichthyosis linearis circumflexa. Identifiers: MedGen C0265962, MONDO:0043106, HP:0025810.
Inborn genetic diseases. Identifiers: MedGen C0950123, MeSH D030342.

Allele frequency attached by ClinVar (database versions not stated): gnomAD 0.00001; TOPMed 0.00002; ExAC 0.00003; 1000 Genomes Project 30x 0.00016; 1000 Genomes Project 0.00020.
gnomAD v4.1: 20 of 1,614,136 alleles (0.0012%); highest among the groups gnomAD compares: East Asian, 0.013%; no homozygotes.

Submissions (2):

Ambry Genetics
Classification: Uncertain significance for Inborn genetic diseases. Last evaluated: 2025-02-07. Review status: criteria provided, single submitter. Criteria: Ambry Variant Classification Scheme 2023. Collection method: clinical testing. Allele origin: germline.

Labcorp Genetics (formerly Invitae), Labcorp
Classification: Uncertain significance for Ichthyosis linearis circumflexa. Last evaluated: 2024-10-28. Review status: criteria provided, single submitter. Criteria: Invitae Variant Classification Sherloc (09022015). Collection method: clinical testing. Allele origin: germline.
Comment: This sequence change replaces leucine, which is neutral and non-polar, with phenylalanine, which is neutral and non-polar, at codon 16 of the SPINK5 protein (p.Leu16Phe). This variant is present in population databases (rs370369039, gnomAD 0.04%). This variant has not been reported in the literature in individuals affected with SPINK5-related conditions. ClinVar contains an entry for this variant (Variation ID: 1347338). An algorithm developed to predict the effect of missense changes on protein structure and function outputs the following: PolyPhen-2: "Benign". The phenylalanine amino acid residue is found in multiple mammalian species, which suggests that this missense change does not adversely affect protein function. In summary, the available evidence is currently insufficient to determine the role of this variant in disease. Therefore, it has been classified as a Variant of Uncertain Significance.